The following is an entry in ClinVar:

NM_031885.5(BBS2):c.600_612+2del

Gene: BBS2 (Bardet-Biedl syndrome 2; minus strand). Cytogenetic location: 16q13.
Variant type: Deletion.
Coding change: c.600_612+2del on transcript NM_031885.5 (MANE Select); coding-DNA position 600 through the canonical splice donor site of the intron after coding-DNA position 612, 15 bases deleted (GACAGAAACAGAGGT).
Molecular consequence: splice donor variant.
Genome position (GRCh38, 1-based): chr16:56,509,955-56,509,969, ACCTCTGTTTCTGTC deleted on the plus strand (GACAGAAACAGAGGT on the coding strand, the reverse complement: BBS2 is on the minus strand); deleting any 15 consecutive bases within chr16:56,509,955-56,509,970 gives the same sequence; the c. name uses the placement nearest the transcript's 3' end. VCF-style (leftmost placement, unchanged base first): chr16-56509954-TACCTCTGTTTCTGTC-T. GRCh37 (hg19) VCF-style: chr16-56543866-TACCTCTGTTTCTGTC-T.
Other names: c.600_612+2del (NM_001377456.1).
Identifiers: ClinVar variation 4816291 (VCV004816291.1).

ClinVar aggregate classification (germline): Likely pathogenic (1 of 4 stars; one submission).

Conditions:
Bardet-Biedl syndrome 2 (BBS2). Identifiers: Orphanet 110, MedGen C2936863, MONDO:0014432, OMIM 615981.

Submission:

Natera, Inc.
Classification: Likely pathogenic for Bardet-Biedl syndrome type 2. Last evaluated: 2025-11-21. Review status: criteria provided, single submitter. Criteria: Natera Variant Classification Schema (03/2026). Collection method: clinical testing. Allele origin: germline.
Comment: The c.600_612+2del variant in BBS2 is a canonical splice donor site variant predicted to affect pre-mRNA splicing, which may result in an abnormal transcript and altered protein product. This variant may result in a truncated or dysfunctional protein product. This variant is rare in the general population with a frequency below the threshold expected for the associated phenotype(s). Another variant at this same site results in an alteration predicted to cause a similar molecular effect has been observed in individual(s) with the associated phenotype. Given the available evidence, this variant is classified as Likely Pathogenic.